The following is an entry in ClinVar:

ClinVar aggregate classification (germline): Uncertain significance (1 of 4 stars; one submission).

Conditions:
Inborn genetic diseases. Identifiers: MedGen C0950123, MeSH D030342.

Submission:

Ambry Genetics
Classification: Uncertain significance for Inborn genetic diseases. Last evaluated: 2022-03-29. Review status: criteria provided, single submitter. Criteria: Ambry Variant Classification Scheme 2023. Collection method: clinical testing. Allele origin: germline.
Comment: The p.C663G variant (also known as c.1987T>G), located in coding exon 21 of the ERCC2 gene, results from a T to G substitution at nucleotide position 1987. The cysteine at codon 663 is replaced by glycine, an amino acid with highly dissimilar properties. This amino acid position is conserved. In addition, this alteration is predicted to be deleterious by in silico analysis. Since supporting evidence is limited at this time, the clinical significance of this alteration remains unclear.

NM_000400.4(ERCC2):c.1987T>G (p.Cys663Gly)

Gene: ERCC2 (ERCC excision repair 2, TFIIH core complex helicase subunit; minus strand). Cytogenetic location: 19q13.32.
Variant type: single nucleotide variant.
Coding change: c.1987T>G on transcript NM_000400.4 (MANE Select); coding-DNA position 1987, T replaced by G.
Protein change: p.Cys663Gly; replaces cysteine 663 with glycine.
Molecular consequence: missense variant.
Genome position (GRCh38, 1-based): chr19:45,352,565, A>C on the plus strand (T>G on the coding strand, the complement: ERCC2 is on the minus strand). VCF-style: chr19-45352565-A-C. GRCh37 (hg19) VCF-style: chr19-45855823-A-C.
Other names: short protein forms C663G.
Identifiers: ClinVar variation 1783895 (VCV001783895.2), dbSNP rs770367713, ClinGen allele CA406363090.